The following is an entry in ClinVar:

NM_004958.4(MTOR):c.4995G>C (p.Arg1665Ser)

Gene: MTOR (mechanistic target of rapamycin kinase; minus strand). Cytogenetic location: 1p36.22.
Variant type: single nucleotide variant.
Coding change: c.4995G>C on transcript NM_004958.4 (MANE Select); coding-DNA position 4995, G replaced by C.
Protein change: p.Arg1665Ser; replaces arginine 1665 with serine.
Molecular consequence: missense variant.
Genome position (GRCh38, 1-based): chr1:11,139,536, C>G on the plus strand (G>C on the coding strand, the complement: MTOR is on the minus strand). VCF-style: chr1-11139536-C-G. GRCh37 (hg19) VCF-style: chr1-11199593-C-G.
Other names: c.4995G>C, p.Arg1665Ser (NM_001386500.1); c.3747G>C, p.Arg1249Ser (NM_001386501.1); short protein forms R1249S, R1665S.
Identifiers: ClinVar variation 2014714 (VCV002014714.4), dbSNP rs2522431103, ClinGen allele CA338402119.
Genomic context (GRCh38, chr1:11,139,536, plus strand): 5'-AGCCCAGGGACACCATGGGGCCCTACCTGCCCATGTGGGTGGGTGGTTGTCACTCACCAG[C>G]CTGCCACTCTTGCCGCACAGGCTTGCATACTTGAGCCAGGTTCTCATGTCTTCATGAGGG-3'
Protein context (NP_004949.1, residues 1655-1675): KYASLCGKSG[Arg1665Ser]LALAHKTLVL

ClinVar aggregate classification (germline): Uncertain significance (1 of 4 stars; one submission).

Submission:

Labcorp Genetics (formerly Invitae), Labcorp
Classification: Uncertain significance. Last evaluated: 2022-07-06. Review status: criteria provided, single submitter. Criteria: Invitae Variant Classification Sherloc (09022015). Collection method: clinical testing. Allele origin: germline.
Comment: In summary, the available evidence is currently insufficient to determine the role of this variant in disease. Therefore, it has been classified as a Variant of Uncertain Significance. Advanced modeling of protein sequence and biophysical properties (such as structural, functional, and spatial information, amino acid conservation, physicochemical variation, residue mobility, and thermodynamic stability) performed at Invitae indicates that this missense variant is expected to disrupt MTOR protein function. This variant has not been reported in the literature in individuals affected with MTOR-related conditions. This variant is not present in population databases (gnomAD no frequency). This sequence change replaces arginine, which is basic and polar, with serine, which is neutral and polar, at codon 1665 of the MTOR protein (p.Arg1665Ser).